The following is an entry in ClinVar:

NM_000070.3(CAPN3):c.945+5G>A

Gene: CAPN3 (calpain 3; plus strand). Cytogenetic location: 15q15.1.
Variant type: single nucleotide variant.
Coding change: c.945+5G>A on transcript NM_000070.3 (MANE Select); 5 bases into the intron after coding-DNA position 945, G replaced by A.
Molecular consequence: intron variant.
Genome position (GRCh38, 1-based): chr15:42,390,101, G>A. VCF-style: chr15-42390101-G-A. GRCh37 (hg19) VCF-style: chr15-42682299-G-A.
Other names: c.945+5G>A (NM_024344.2); c.801+1005G>A (NM_173087.2).
Identifiers: ClinVar variation 468653 (VCV000468653.16), dbSNP rs773547765, ClinGen allele CA7511175.

ClinVar aggregate classification (germline): Conflicting classifications of pathogenicity. Review status: criteria provided, conflicting classifications (1 of 4 stars). 4 submissions from 4 submitters: Likely pathogenic (1); Uncertain significance (1). 2 of the submissions do not count toward it. Last evaluated 2025-10-13.

Conditions:
Autosomal recessive limb-girdle muscular dystrophy type 2A (LGMDR1). Also called: LEYDEN-MOEBIUS MUSCULAR DYSTROPHY; MUSCULAR DYSTROPHY, PELVOFEMORAL; Limb-girdle muscular dystrophy, type 2A; Calpainopathy; Muscular dystrophy, limb-girdle, type 2A, Amish. Identifiers: Orphanet 267, MedGen C1869123, MONDO:0009675, OMIM 253600. Disease mechanism: loss of function.

Allele frequency attached by ClinVar (database versions not stated): ExAC 0.00001.

Submissions (4):

Labcorp Genetics (formerly Invitae), Labcorp
Classification: Likely pathogenic for Autosomal recessive limb-girdle muscular dystrophy type 2A. Last evaluated: 2025-10-13. Review status: criteria provided, single submitter. Criteria: Invitae Variant Classification Sherloc (09022015). Collection method: clinical testing. Allele origin: germline.
Comment: This sequence change falls in intron 6 of the CAPN3 gene. It does not directly change the encoded amino acid sequence of the CAPN3 protein. It affects a nucleotide within the consensus splice site. This variant is not present in population databases (gnomAD no frequency). This variant has been observed in individual(s) with clinical features of autosomal recessive limb-girdle muscular dystrophy (PMID: 27708273, 28403181; internal data). It has also been observed to segregate with disease in related individuals. ClinVar contains an entry for this variant (Variation ID: 468653). Variants that disrupt the consensus splice site are a relatively common cause of aberrant splicing (PMID: 17576681, 9536098). Algorithms developed to predict the effect of sequence changes on RNA splicing suggest that this variant may disrupt the consensus splice site. In summary, the currently available evidence indicates that the variant is pathogenic, but additional data are needed to prove that conclusively. Therefore, this variant has been classified as Likely Pathogenic.

Women's Health and Genetics/Laboratory Corporation of America, LabCorp
Classification: Uncertain significance. Last evaluated: 2025-04-22. Review status: criteria provided, single submitter. Criteria: LabCorp Variant Classification Summary - May 2015. Collection method: clinical testing. Allele origin: germline.
Comment: Variant summary: CAPN3 c.945+5G>A alters a conserved nucleotide located close to a canonical splice site and therefore could affect mRNA splicing, leading to a significantly altered protein sequence. Several computational tools predict a significant impact on normal splicing: Four predict the variant abolishes a 5' splicing donor site. However, these predictions have yet to be confirmed by functional studies. The variant was absent in 251442 control chromosomes (gnomAD). c.945+5G>A has been observed in individuals affected with Limb-Girdle Muscular Dystrophy (Piluso_2005, Reddy_2017, Yu_2017). These data indicate that the variant may be associated with disease. To our knowledge, no experimental evidence demonstrating an impact on protein function has been reported. The following publications have been ascertained in the context of this evaluation (PMID: 16141003, 27708273, 28403181). ClinVar contains an entry for this variant (Variation ID: 468653). Based on the evidence outlined above, the variant was classified as VUS-possibly pathogenic.

Natera, Inc.
Classification: Uncertain significance for Limb-girdle muscular dystrophy type 2A. Last evaluated: 2020-10-20. Review status: no assertion criteria provided. Collection method: clinical testing. Allele origin: germline. Not counted in ClinVar's aggregate classification.

Counsyl
Classification: Uncertain significance for Autosomal recessive limb-girdle muscular dystrophy type 2A. Last evaluated: 2017-11-13. Review status: no assertion criteria provided. Collection method: clinical testing. Allele origin: unknown. Not counted in ClinVar's aggregate classification.

Literature cited by the submitters: PubMed 27708273 (cited by Labcorp Genetics (formerly Invitae), Labcorp and Women's Health and Genetics/Laboratory Corporation of America, LabCorp); PubMed 28403181 (cited by Labcorp Genetics (formerly Invitae), Labcorp and Women's Health and Genetics/Laboratory Corporation of America, LabCorp); PubMed 17576681 (cited by Labcorp Genetics (formerly Invitae), Labcorp); PubMed 9536098 (cited by Labcorp Genetics (formerly Invitae), Labcorp); PubMed 16141003 (cited by Women's Health and Genetics/Laboratory Corporation of America, LabCorp and Counsyl).